The following is an entry in ClinVar:

NM_002528.7(NTHL1):c.225G>T (p.Lys75Asn)

Gene: NTHL1 (nth like DNA glycosylase 1; minus strand). Cytogenetic location: 16p13.3.
Variant type: single nucleotide variant.
Coding change: c.225G>T on transcript NM_002528.7 (MANE Select); coding-DNA position 225, G replaced by T.
Protein change: p.Lys75Asn; replaces lysine 75 with asparagine.
Molecular consequence: missense variant. On other transcripts: intron variant (1).
Genome position (GRCh38, 1-based): chr16:2,046,257, C>A on the plus strand (G>T on the coding strand, the complement: NTHL1 is on the minus strand). VCF-style: chr16-2046257-C-A. GRCh37 (hg19) VCF-style: chr16-2096258-C-A.
Other names: c.225G>T, p.Lys75Asn (NM_001318193.2); c.24+23G>T (NM_001318194.2); c.249G>T (NM_002528.5); short protein forms K75N.
Identifiers: ClinVar variation 1416247 (VCV001416247.9), dbSNP rs1432630427, ClinGen allele CA394297364.

ClinVar aggregate classification (germline): Uncertain significance. Review status: criteria provided, multiple submitters, no conflicts (2 of 4 stars). 2 submissions from 2 submitters: Uncertain significance (2). Last evaluated 2025-06-22.

Conditions:
Hereditary cancer-predisposing syndrome. Also called: Hereditary Cancer Syndrome; Tumor predisposition; Hereditary neoplastic syndrome; Neoplastic Syndromes, Hereditary. Identifiers: Orphanet 140162, MedGen C0027672, MeSH D009386, MONDO:0015356.

Submissions (2):

Ambry Genetics
Classification: Uncertain significance for Hereditary cancer-predisposing syndrome. Last evaluated: 2025-06-22. Review status: criteria provided, single submitter. Criteria: Ambry Variant Classification Scheme 2023. Collection method: clinical testing. Allele origin: germline.
Comment: The p.K83N variant (also known as c.249G>T), located in coding exon 2 of the NTHL1 gene, results from a G to T substitution at nucleotide position 249. The lysine at codon 83 is replaced by asparagine, an amino acid with similar properties. This amino acid position is conserved. In addition, this alteration is predicted to be tolerated by in silico analysis. Based on the available evidence, the clinical significance of this variant remains unclear.

Labcorp Genetics (formerly Invitae), Labcorp
Classification: Uncertain significance. Last evaluated: 2022-10-19. Review status: criteria provided, single submitter. Criteria: Invitae Variant Classification Sherloc (09022015). Collection method: clinical testing. Allele origin: germline.
Comment: This sequence change replaces lysine, which is basic and polar, with asparagine, which is neutral and polar, at codon 83 of the NTHL1 protein (p.Lys83Asn). This variant is not present in population databases (gnomAD no frequency). This variant has not been reported in the literature in individuals affected with NTHL1-related conditions. ClinVar contains an entry for this variant (Variation ID: 1416247). Algorithms developed to predict the effect of missense changes on protein structure and function are either unavailable or do not agree on the potential impact of this missense change (SIFT: "Not Available"; PolyPhen-2: "Benign"; Align-GVGD: "Not Available"). In summary, the available evidence is currently insufficient to determine the role of this variant in disease. Therefore, it has been classified as a Variant of Uncertain Significance.